The following is an entry in ClinVar:

NM_138927.4(SON):c.368A>G (p.Lys123Arg)

Gene: SON (SON DNA and RNA binding protein; plus strand). Cytogenetic location: 21q22.11.
Variant type: single nucleotide variant.
Coding change: c.368A>G on transcript NM_138927.4 (MANE Select); coding-DNA position 368, A replaced by G.
Protein change: p.Lys123Arg; replaces lysine 123 with arginine.
Molecular consequence: missense variant. On other transcripts: non-coding transcript variant (1), intron variant (1).
Genome position (GRCh38, 1-based): chr21:33,549,599, A>G. VCF-style: chr21-33549599-A-G. GRCh37 (hg19) VCF-style: chr21-34921905-A-G.
Other names: c.368A>G, p.Lys123Arg (NM_001291411.2, NM_001412133.1, NM_032195.3 and 2 more transcripts); c.244+3220A>G (NM_001291412.3); short protein forms K123R.
Identifiers: ClinVar variation 1715865 (VCV001715865.5), dbSNP rs1303616376, ClinGen allele CA410150773.
Genomic context (GRCh38, chr21:33,549,599, plus strand): 5'-TTCCCACTAAAAAGTCAAAGAAGCATAAAAAGCACAAAAACAAAAAGAAGAAAAAGAAGA[A>G]AGAAAAGGAAAAAAAATATAAAAGACAGCCAGAAGAATCTGAGTCAAAGACGAAATCTCA-3'
Protein context (NP_620305.3, residues 113-133): KHKNKKKKKK[Lys123Arg]EKEKKYKRQP

ClinVar aggregate classification (germline): Uncertain significance (1 of 4 stars; one submission).

Allele frequency attached by ClinVar (database versions not stated): gnomAD exomes below 0.00001; TOPMed below 0.00001.
gnomAD v4.1: 1 of 1,592,118 alleles (0.000063%); highest among the groups gnomAD compares: Admixed American, 0.0018%; no homozygotes.

Submission:

Labcorp Genetics (formerly Invitae), Labcorp
Classification: Uncertain significance. Last evaluated: 2024-07-22. Review status: criteria provided, single submitter. Criteria: Invitae Variant Classification Sherloc (09022015). Collection method: clinical testing. Allele origin: germline.
Comment: This sequence change replaces lysine, which is basic and polar, with arginine, which is basic and polar, at codon 123 of the SON protein (p.Lys123Arg). The frequency data for this variant in the population databases is considered unreliable, as metrics indicate poor data quality at this position in the gnomAD database. This variant has not been reported in the literature in individuals affected with SON-related conditions. ClinVar contains an entry for this variant (Variation ID: 1715865). An algorithm developed to predict the effect of missense changes on protein structure and function (PolyPhen-2) suggests that this variant is likely to be disruptive. In summary, the available evidence is currently insufficient to determine the role of this variant in disease. Therefore, it has been classified as a Variant of Uncertain Significance.